The following is an entry in ClinVar:

NM_020166.5(MCCC1):c.2045T>G (p.Met682Arg)

Gene: MCCC1 (methylcrotonyl-CoA carboxylase subunit 1; minus strand). Cytogenetic location: 3q27.1.
Variant type: single nucleotide variant.
Coding change: c.2045T>G on transcript NM_020166.5 (MANE Select); coding-DNA position 2045, T replaced by G.
Protein change: p.Met682Arg; replaces methionine 682 with arginine.
Molecular consequence: missense variant. On other transcripts: non-coding transcript variant (2).
Genome position (GRCh38, 1-based): chr3:183,017,270, A>C on the plus strand (T>G on the coding strand, the complement: MCCC1 is on the minus strand). VCF-style: chr3-183017270-A-C. GRCh37 (hg19) VCF-style: chr3-182735058-A-C.
Other names: c.2045T>G (NM_020166.3); c.1694T>G, p.Met565Arg (NM_001293273.2); c.1718T>G, p.Met573Arg (NM_001363880.1); short protein forms M565R, M573R, M682R.
Identifiers: ClinVar variation 2088092 (VCV002088092.5), dbSNP rs773740752, ClinGen allele CA355313757.
Genomic context (GRCh38, chr3:183,017,270, plus strand): 5'-ATTAGGTATGATTGCTCCCAAAGTCCTCATAGCAAATGAACTCATGATTTCCTTACCTCC[A>C]TCTTCATGGCGATCATAACCATGAGGGAATCTCCCGCTTTCACTTTGTCTCCAGCTTTGA-3'
Protein context (NP_064551.3, residues 672-692): DSLMVMIAMK[Met682Arg]EHTIKSPKDG

ClinVar aggregate classification (germline): Uncertain significance. Review status: criteria provided, multiple submitters, no conflicts (2 of 4 stars). 2 submissions from 2 submitters: Uncertain significance (2). Last evaluated 2025-06-16.

Conditions:
3-methylcrotonyl-CoA carboxylase 1 deficiency (MCC1D). Also called: MCCD TYPE 1; METHYLCROTONYLGLYCINURIA TYPE I; MCC 1 deficiency; 3 Alpha methylcrotonylglycinuria 1. Identifiers: Orphanet 6, MedGen CN028786, MONDO:0008861, OMIM 210200.

Submissions (2):

GeneDx
Classification: Uncertain significance. Last evaluated: 2025-06-16. Review status: criteria provided, single submitter. Criteria: GeneDx Variant Classification Process June 2021. Collection method: clinical testing. Allele origin: germline. Affected: yes.
Comment: Not observed at significant frequency in large population cohorts (gnomAD); In silico analysis supports that this missense variant has a deleterious effect on protein structure/function; Has not been previously published as pathogenic or benign to our knowledge

Labcorp Genetics (formerly Invitae), Labcorp
Classification: Uncertain significance for 3-methylcrotonyl-CoA carboxylase 1 deficiency. Last evaluated: 2022-01-19. Review status: criteria provided, single submitter. Criteria: Invitae Variant Classification Sherloc (09022015). Collection method: clinical testing. Allele origin: germline.
Comment: Algorithms developed to predict the effect of missense changes on protein structure and function are either unavailable or do not agree on the potential impact of this missense change (SIFT: "Deleterious"; PolyPhen-2: "Probably Damaging"; Align-GVGD: "Class C0"). In summary, the available evidence is currently insufficient to determine the role of this variant in disease. Therefore, it has been classified as a Variant of Uncertain Significance. This variant has not been reported in the literature in individuals affected with MCCC1-related conditions. This variant is not present in population databases (gnomAD no frequency). This sequence change replaces methionine, which is neutral and non-polar, with arginine, which is basic and polar, at codon 682 of the MCCC1 protein (p.Met682Arg).